The following is an entry in ClinVar:

NC_000016.9:g.(23619334_23625324)_(23625413_23632682)dup

Gene: PALB2 (partner and localizer of BRCA2; minus strand). Cytogenetic location: 16p12.2.
Variant type: Duplication.
Identifiers: ClinVar variation 1098824 (VCV001098824.1).

ClinVar aggregate classification (germline): Pathogenic (1 of 4 stars; one submission).

Conditions:
Hereditary breast ovarian cancer syndrome. Also called: Hereditary breast and ovarian cancer; Hereditary breast and/or ovarian cancer syndrome; Hereditary breast and ovarian cancer syndrome (HBOC); Breast and ovarian cancer; Hereditary breast and ovarian cancer syndrome; BRCA1- and BRCA2-Associated Hereditary Breast and Ovarian Cancer. Identifiers: Orphanet 145, MedGen C0677776, MeSH D061325, MONDO:0003582. Disease mechanism: loss of function.

Submission:

Women's Health and Genetics/Laboratory Corporation of America, LabCorp
Classification: Pathogenic for Hereditary breast ovarian cancer syndrome. Last evaluated: 2021-04-26. Review status: criteria provided, single submitter. Criteria: LabCorp Variant Classification Summary - May 2015. Collection method: clinical testing. Allele origin: germline.
Comment: Variant summary: The variant identified by MLPA or other technology involves the duplication of exon 11 in the PALB2 gene. A presumed nomenclature of c.(3113+1_3114-1)_(3201+1_3202-1)dup has been designated for the purposes of this classification. It has been assumed that this is a tandem duplication in direct orientation (Richardson_GIM_2018, Newman_AJHG_2015). Although exact breakpoints of this duplication are not known, it is expected to result in a frameshift in the PALB2 gene. The variant was absent in 21694 control chromosomes (gnomAD structural variants database). Duplication of exon 11 has been reported in the literature in multiple individuals affected with Hereditary Breast And Ovarian Cancer Syndrome (e.g. Richardson_2019). These data indicate that the variant is likely to be associated with disease. To our knowledge, no experimental evidence demonstrating an impact on protein function has been reported. One other clinical diagnostic laboratory has submitted clinical-significance assessments for this variant to ClinVar after 2014 without evidence for independent evaluation and cited the variant as likely pathogenic. Based on the evidence outlined above, the variant was classified as pathogenic.

Literature cited by the submitters: PubMed 30054569.